The following is an entry in ClinVar:

ClinVar aggregate classification (germline): Uncertain significance (1 of 4 stars; one submission).

Conditions:
EP300-related disorder. Also called: EP300-related disorders; EP300-related condition.

Submission:

PreventionGenetics, part of Exact Sciences
Classification: Uncertain significance for EP300-related condition. Last evaluated: 2025-03-20. Review status: criteria provided, single submitter. Criteria: ACMG Guidelines, 2015. Collection method: clinical testing. Allele origin: germline.
Comment: The EP300 c.5036C>G variant is predicted to result in the amino acid substitution p.Thr1679Arg. To our knowledge, this variant has not been reported in the literature or in a large population database (gnomAD), indicating this variant is rare. At this time, the clinical significance of this variant is uncertain due to the absence of conclusive functional and genetic evidence.

NM_001429.4(EP300):c.5036C>G (p.Thr1679Arg)

Gene: EP300 (EP300 lysine acetyltransferase; plus strand). Cytogenetic location: 22q13.2.
Variant type: single nucleotide variant.
Coding change: c.5036C>G on transcript NM_001429.4 (MANE Select); coding-DNA position 5036, C replaced by G.
Protein change: p.Thr1679Arg; replaces threonine 1679 with arginine.
Molecular consequence: missense variant.
Genome position (GRCh38, 1-based): chr22:41,176,503, C>G. VCF-style: chr22-41176503-C-G. GRCh37 (hg19) VCF-style: chr22-41572507-C-G.
Other names: c.4958C>G, p.Thr1653Arg (NM_001362843.2); short protein forms T1653R, T1679R.
Identifiers: ClinVar variation 5002492 (VCV005002492.1).